The following is an entry in ClinVar:

ClinVar aggregate classification (germline): Likely pathogenic (1 of 4 stars; one submission).

Submission:

Mayo Clinic Laboratories, Mayo Clinic
Classification: Likely pathogenic. Last evaluated: 2025-04-09. Review status: criteria provided, single submitter. Criteria: ACMG Guidelines, 2015. Collection method: clinical testing. Allele origin: germline. Observed: 1 variant allele.
Comment: PM2_supporting, PVS1

NM_001355436.2(SPTB):c.4561C>T (p.Gln1521Ter)

Gene: SPTB (spectrin beta, erythrocytic; minus strand). Cytogenetic location: 14q23.3.
Variant type: single nucleotide variant.
Coding change: c.4561C>T on transcript NM_001355436.2 (MANE Select); coding-DNA position 4561, C replaced by T.
Protein change: p.Gln1521Ter; replaces glutamine 1521 with a stop codon.
Molecular consequence: nonsense.
Genome position (GRCh38, 1-based): chr14:64,779,159, G>A on the plus strand (C>T on the coding strand, the complement: SPTB is on the minus strand). VCF-style: chr14-64779159-G-A. GRCh37 (hg19) VCF-style: chr14-65245877-G-A.
Other names: p.Gln1521*; c.4561C>T, p.Gln1521Ter (NM_001355437.2, NM_001024858.4); short protein forms Q1521*.
Identifiers: ClinVar variation 4541847 (VCV004541847.1).
Genomic context (GRCh38, chr14:64,779,159, plus strand): 5'-GGGGCCAGGTGGGGGTGAGGAGGGGTGGGTGGGGCTGGTGAGGTGACGCAGGACTCACCT[G>A]GTTCTTCTTCATGAACAGTTGCACAGTTTGCAGATTAGTGCCATAGTCGGCTGACTGGGC-3'